The following is an entry in ClinVar:

Conditions:
Arteriohepatic dysplasia. Also called: Alagille Syndrome. Identifiers: Orphanet 52, MedGen C0085280, MeSH D016738, MONDO:0007318.

gnomAD v4.1: 3 of 1,614,084 alleles (0.00019%); highest among the groups gnomAD compares: African/African-American, 0.004%; no homozygotes.

Submission:

Gilbert/Spinner Lab, Children's Hospital of Philadelphia
No classification provided (evidence only). Condition: Alagille syndrome. Review status: no classification provided. Collection method: research. Allele origin: not applicable. Functional consequence: functionally_abnormal.
ClinVar note: "not provided" was previously submitted as the classification for the variant. However, the classification appeared to be based only on an observation of functional data so it was converted to no classification on 2025-07-30.

NM_000214.3(JAG1):c.493C>A (p.Arg165=)

Gene: JAG1 (jagged canonical Notch ligand 1; minus strand). Cytogenetic location: 20p12.2.
Variant type: single nucleotide variant.
Coding change: c.493C>A on transcript NM_000214.3 (MANE Select); coding-DNA position 493, C replaced by A.
Protein change: p.Arg165=; no amino-acid change (arginine 165 retained).
Molecular consequence: synonymous variant.
Genome position (GRCh38, 1-based): chr20:10,658,669, G>T on the plus strand (C>A on the coding strand, the complement: JAG1 is on the minus strand). VCF-style: chr20-10658669-G-T. GRCh37 (hg19) VCF-style: chr20-10639317-G-T.
Identifiers: ClinVar variation 3573041 (VCV003573041.2).
Genomic context (GRCh38, chr20:10,658,669, plus strand): 5'-CGCGGATCTGATACTCAAAGTGGGCAACGCCCGTGTTCTGCTTCAGCGTCTGCCACTGCC[G>T]GCTGGGGTTGATCATGCCCGAGTGAGAAGCCTTTTCAATAATACTGTCAGGTTCTAGAGA-3'
Protein context (NP_000205.1, residues 155-175): ASHSGMINPS[Arg165=]QWQTLKQNTG